The following is an entry in ClinVar:

ClinVar aggregate classification (germline): Uncertain significance (1 of 4 stars; one submission).

Conditions:
FAT4-related disorder. Also called: FAT4-related condition.

Submission:

PreventionGenetics, part of Exact Sciences
Classification: Uncertain significance for FAT4-related condition. Last evaluated: 2022-12-07. Review status: criteria provided, single submitter. Criteria: ACMG Guidelines, 2015. Collection method: clinical testing. Allele origin: germline.
Comment: The FAT4 c.2006A>C variant is predicted to result in the amino acid substitution p.Gln669Pro. To our knowledge, this variant has not been reported in the literature or in a large population database, indicating this variant is rare. At this time, the clinical significance of this variant is uncertain due to the absence of conclusive functional and genetic evidence.

NM_001291303.3(FAT4):c.2006A>C (p.Gln669Pro)

Gene: FAT4 (FAT atypical cadherin 4; plus strand). Cytogenetic location: 4q28.1.
Variant type: single nucleotide variant.
Coding change: c.2006A>C on transcript NM_001291303.3 (MANE Select); coding-DNA position 2006, A replaced by C.
Protein change: p.Gln669Pro; replaces glutamine 669 with proline.
Molecular consequence: missense variant.
Genome position (GRCh38, 1-based): chr4:125,318,417, A>C. VCF-style: chr4-125318417-A-C. GRCh37 (hg19) VCF-style: chr4-126239572-A-C.
Other names: c.2006A>C, p.Gln669Pro (NM_001291285.3, NM_024582.6); short protein forms Q669P.
Identifiers: ClinVar variation 2629649 (VCV002629649.1), dbSNP rs2530432186, ClinGen allele CA358119340.